The following is an entry in ClinVar:

NM_194277.3(FRMD7):c.906-3T>C

Gene: FRMD7 (FERM domain containing 7; minus strand). Cytogenetic location: Xq26.2.
Variant type: single nucleotide variant.
Coding change: c.906-3T>C on transcript NM_194277.3 (MANE Select); 3 bases into the intron before coding-DNA position 906, T replaced by C.
Molecular consequence: intron variant.
Genome position (GRCh38, 1-based): chrX:132,080,269, A>G on the plus strand (T>C on the coding strand, the complement: FRMD7 is on the minus strand). VCF-style: chrX-132080269-A-G. GRCh37 (hg19) VCF-style: chrX-131214297-A-G.
Other names: c.861-3T>C (NM_001306193.2).
Identifiers: ClinVar variation 1425198 (VCV001425198.6), dbSNP rs773237595, ClinGen allele CA10518946.

ClinVar aggregate classification (germline): Uncertain significance (1 of 4 stars; one submission).

Allele frequency attached by ClinVar (database versions not stated): gnomAD exomes 0.00001 and 0.00002; ExAC 0.00002.
gnomAD v4.1: 12 of 1,156,966 alleles (0.001%); highest among the groups gnomAD compares: South Asian, 0.0018%; no homozygotes.

Submission:

Labcorp Genetics (formerly Invitae), Labcorp
Classification: Uncertain significance. Last evaluated: 2025-10-19. Review status: criteria provided, single submitter. Criteria: Invitae Variant Classification Sherloc (09022015). Collection method: clinical testing. Allele origin: germline.
Comment: This sequence change falls in intron 9 of the FRMD7 gene. It does not directly change the encoded amino acid sequence of the FRMD7 protein. It affects a nucleotide within the consensus splice site. This variant is present in population databases (rs773237595, gnomAD 0.005%). This variant has not been reported in the literature in individuals affected with FRMD7-related conditions. ClinVar contains an entry for this variant (Variation ID: 1425198). Variants that disrupt the consensus splice site are a relatively common cause of aberrant splicing (PMID: 17576681, 9536098). Algorithms developed to predict the effect of sequence changes on RNA splicing suggest that this variant is not likely to affect RNA splicing. In summary, the available evidence is currently insufficient to determine the role of this variant in disease. Therefore, it has been classified as a Variant of Uncertain Significance.

Literature cited by the submitters: PubMed 17576681; PubMed 9536098.